The following is an entry in ClinVar:

ClinVar aggregate classification (germline): Conflicting classifications of pathogenicity. Review status: criteria provided, conflicting classifications (1 of 4 stars). 4 submissions from 4 submitters: Uncertain significance (1); Likely benign (1). 2 of the submissions do not count toward it. Last evaluated 2025-11-17.

Conditions:
Charcot-Marie-Tooth disease axonal type 2V. Also called: CHARCOT-MARIE-TOOTH NEUROPATHY, TYPE 2V; CHARCOT-MARIE-TOOTH DISEASE, AXONAL, AUTOSOMAL DOMINANT, TYPE 2V. Identifiers: Orphanet 447964, MedGen C5569050, MONDO:0014665, OMIM 616491.
Mucopolysaccharidosis, MPS-III-B (MPS3B). Also called: MPS IIIB (Sanfilippo Syndrome Type B); MPS III B; SANFILIPPO SYNDROME B; MUCOPOLYSACCHARIDOSIS, TYPE IIIB; N-ACETYL-ALPHA-D-GLUCOSAMINIDASE DEFICIENCY; NAGLU DEFICIENCY. Identifiers: Orphanet 79270, MedGen C0086648, MONDO:0009656, OMIM 252920.
NAGLU-related disorder. Also called: NAGLU-related condition.

Allele frequency attached by ClinVar (database versions not stated): TOPMed 0.00005.
gnomAD v4.1: 105 of 1,613,000 alleles (0.0065%); highest among the groups gnomAD compares: African/African-American, 0.012%; no homozygotes.

Submissions (4):

Labcorp Genetics (formerly Invitae), Labcorp
Classification: Likely benign for Charcot-Marie-Tooth disease axonal type 2V; Mucopolysaccharidosis, MPS-III-B. Last evaluated: 2025-11-17. Review status: criteria provided, single submitter. Criteria: Invitae Variant Classification Sherloc (09022015). Collection method: clinical testing. Allele origin: germline.

CeGaT Center for Human Genetics Tuebingen
Classification: Uncertain significance. Last evaluated: 2017-08-01. Review status: criteria provided, single submitter. Criteria: CeGaT Center For Human Genetics Tuebingen Variant Classification Criteria Version 2. Collection method: clinical testing. Allele origin: germline. Affected: yes. Observed: 1 variant allele.

Natera, Inc.
Classification: Likely benign for Mucopolysaccharidosis type IIIB. Last evaluated: 2021-07-27. Review status: no assertion criteria provided. Collection method: clinical testing. Allele origin: germline. Not counted in ClinVar's aggregate classification.

PreventionGenetics, part of Exact Sciences
Classification: Likely benign for NAGLU-related condition. Last evaluated: 2019-09-12. Review status: no assertion criteria provided. Collection method: clinical testing. Allele origin: germline. Not counted in ClinVar's aggregate classification.
Comment: This variant is classified as likely benign based on ACMG/AMP sequence variant interpretation guidelines (Richards et al. 2015 PMID: 25741868, with internal and published modifications).

NM_000263.4(NAGLU):c.1623G>C (p.Arg541=)

Gene: NAGLU (N-acetyl-alpha-glucosaminidase; plus strand). Cytogenetic location: 17q21.2.
Variant type: single nucleotide variant.
Coding change: c.1623G>C on transcript NM_000263.4 (MANE Select); coding-DNA position 1623, G replaced by C.
Protein change: p.Arg541=; no amino-acid change (arginine 541 retained).
Molecular consequence: synonymous variant.
Genome position (GRCh38, 1-based): chr17:42,543,629, G>C. VCF-style: chr17-42543629-G-C. GRCh37 (hg19) VCF-style: chr17-40695647-G-C.
Other names: c.1623G>C (NM_000263.3).
Identifiers: ClinVar variation 808271 (VCV000808271.51), dbSNP rs146438251, ClinGen allele CA8577063.